The following is an entry in ClinVar:

ClinVar aggregate classification (germline): Pathogenic (1 of 4 stars; one submission).

Submission:

Labcorp Genetics (formerly Invitae), Labcorp
Classification: Pathogenic. Last evaluated: 2023-03-16. Review status: criteria provided, single submitter. Criteria: Invitae Variant Classification Sherloc (09022015). Collection method: clinical testing. Allele origin: germline.
Comment: This sequence change creates a premature translational stop signal (p.Ile131Metfs*8) in the KCNJ11 gene. While this is not anticipated to result in nonsense mediated decay, it is expected to disrupt the last 260 amino acid(s) of the KCNJ11 protein. This variant is not present in population databases (gnomAD no frequency). This variant has not been reported in the literature in individuals affected with KCNJ11-related conditions. This variant disrupts a region of the KCNJ11 protein in which other variant(s) (p.Arg301His) have been determined to be pathogenic (PMID: 14715863, 15562009, 18250167, 23275527, 23345197). This suggests that this is a clinically significant region of the protein, and that variants that disrupt it are likely to be disease-causing. For these reasons, this variant has been classified as Pathogenic.

Literature cited by the submitters: PubMed 14715863; PubMed 15562009; PubMed 18250167; PubMed 23275527; PubMed 23345197.

NM_000525.4(KCNJ11):c.393del (p.Ile131fs)

Gene: KCNJ11 (potassium inwardly rectifying channel subfamily J member 11; minus strand). Cytogenetic location: 11p15.1.
Variant type: Deletion.
Coding change: c.393del on transcript NM_000525.4 (MANE Select); coding-DNA position 393, one base deleted (T; older notation c.393delT).
Protein change: p.Ile131fs; shifts the reading frame from isoleucine 131.
Molecular consequence: frameshift variant.
Genome position (GRCh38, 1-based): chr11:17,387,699, A deleted on the plus strand (T on the coding strand, the reverse complement: KCNJ11 is on the minus strand); the first of 2 consecutive A bases (chr11:17,387,699-17,387,700); deleting either gives the same sequence. VCF-style (leftmost placement, unchanged base first): chr11-17387698-CA-C. GRCh37 (hg19) VCF-style: chr11-17409245-CA-C.
Other names: c.132del, p.Ile44fs (NM_001166290.2, NM_001377296.1, NM_001377297.1); short protein forms I131fs, I44fs.
Identifiers: ClinVar variation 2846265 (VCV002846265.3), dbSNP rs2496410975, ClinGen allele CA2739276315.